The following is an entry in ClinVar:

NM_005359.6(SMAD4):c.1397C>T (p.Ala466Val)

Gene: SMAD4 (SMAD family member 4; plus strand). Cytogenetic location: 18q21.2.
Variant type: single nucleotide variant.
Coding change: c.1397C>T on transcript NM_005359.6 (MANE Select); coding-DNA position 1397, C replaced by T.
Protein change: p.Ala466Val; replaces alanine 466 with valine.
Molecular consequence: missense variant. On other transcripts: non-coding transcript variant (1).
Genome position (GRCh38, 1-based): chr18:51,076,726, C>T. VCF-style: chr18-51076726-C-T. GRCh37 (hg19) VCF-style: chr18-48603096-C-T.
Other names: c.1397C>T, p.Ala466Val (NM_001407041.1, NM_001407042.1); short protein forms A466V.
Identifiers: ClinVar variation 3637581 (VCV003637581.3).
Genomic context (GRCh38, chr18:51,076,726, plus strand): 5'-AGATGCAGCAGCAGGCGGCTACTGCACAAGCTGCAGCAGCTGCCCAGGCAGCAGCCGTGG[C>T]AGGAAACATCCCTGGCCCAGGATCAGTAGGTGGAATAGCTCCAGCTATCAGTAAGTATGC-3'
Protein context (NP_005350.1, residues 456-476): AAAAAQAAAV[Ala466Val]GNIPGPGSVG

ClinVar aggregate classification (germline): Uncertain significance. Review status: criteria provided, multiple submitters, no conflicts (2 of 4 stars). 2 submissions from 2 submitters: Uncertain significance (2). Last evaluated 2025-10-06.

Conditions:
Juvenile polyposis syndrome (JPS). Identifiers: Orphanet 2929, MedGen C0345893, MONDO:0017380, OMIM 174900.

gnomAD v4.1: 3 of 1,613,430 alleles (0.00019%); highest among the groups gnomAD compares: South Asian, 0.0033%; no homozygotes.

Submissions (2):

Labcorp Genetics (formerly Invitae), Labcorp
Classification: Uncertain significance for Juvenile polyposis syndrome. Last evaluated: 2025-10-06. Review status: criteria provided, single submitter. Criteria: Invitae Variant Classification Sherloc (09022015). Collection method: clinical testing. Allele origin: germline.
Comment: This sequence change replaces alanine, which is neutral and non-polar, with valine, which is neutral and non-polar, at codon 466 of the SMAD4 protein (p.Ala466Val). This variant is not present in population databases (gnomAD no frequency). This variant has not been reported in the literature in individuals affected with SMAD4-related conditions. ClinVar contains an entry for this variant (Variation ID: 3637581). Invitae Evidence Modeling of protein sequence and biophysical properties (such as structural, functional, and spatial information, amino acid conservation, physicochemical variation, residue mobility, and thermodynamic stability) has been performed for this missense variant. However, the output from this modeling did not meet the statistical confidence thresholds required to predict the impact of this variant on SMAD4 protein function. In summary, the available evidence is currently insufficient to determine the role of this variant in disease. Therefore, it has been classified as a Variant of Uncertain Significance.

GeneDx
Classification: Uncertain significance. Last evaluated: 2025-04-23. Review status: criteria provided, single submitter. Criteria: GeneDx Variant Classification Process June 2021. Collection method: clinical testing. Allele origin: germline. Affected: yes.
Comment: Not observed at significant frequency in large population cohorts (gnomAD); In silico analysis supports that this missense variant has a deleterious effect on protein structure/function; Has not been previously published as pathogenic or benign to our knowledge; This variant is associated with the following publications: (PMID: 15235019, 17873119, 18823382)